The following is an entry in ClinVar:

ClinVar aggregate classification (germline): Likely benign (1 of 4 stars; one submission).

Allele frequency attached by ClinVar (database versions not stated): ESP Exome Variant Server 0.00024; 1000 Genomes Project 30x 0.00281; 1000 Genomes Project 0.00319.
gnomAD v4.1: 1,556 of 1,544,000 alleles (0.1%); highest among the groups gnomAD compares: East Asian, 0.84%; 19 homozygotes.

Submission:

CeGaT Center for Human Genetics Tuebingen
Classification: Likely benign. Last evaluated: 2026-09-01. Review status: criteria provided, single submitter. Criteria: CeGaT Center For Human Genetics Tuebingen Variant Classification Criteria Version 2. Collection method: clinical testing. Allele origin: germline. Affected: yes. Observed: 9 variant alleles.
Comment: FBXO28: BP4, BP7, BS2

NM_015176.4(FBXO28):c.22C>A (p.Arg8=)

Genes: FBXO28 (F-box protein 28; plus strand), LOC129932579 (ATAC-STARR-seq lymphoblastoid active region 2598; plus strand). Cytogenetic location: 1q42.11.
Variant type: single nucleotide variant.
Coding change: c.22C>A on transcript NM_015176.4 (MANE Select); coding-DNA position 22, C replaced by A.
Protein change: p.Arg8=; no amino-acid change (arginine 8 retained).
Molecular consequence: synonymous variant. On other transcripts: non-coding transcript variant (1).
Genome position (GRCh38, 1-based): chr1:224,114,151, C>A. VCF-style: chr1-224114151-C-A. GRCh37 (hg19) VCF-style: chr1-224301853-C-A.
Other names: c.22C>A, p.Arg8= (NM_001136115.3).
Identifiers: ClinVar variation 2639924 (VCV002639924.24), dbSNP rs143831581, ClinGen allele CA1413344.